The following is an entry in ClinVar:

NM_001267550.2(TTN):c.32071G>C (p.Ala10691Pro)

Gene: TTN (titin; minus strand). Cytogenetic location: 2q31.2.
Variant type: single nucleotide variant.
Coding change: c.32071G>C on transcript NM_001267550.2 (MANE Select); coding-DNA position 32071, G replaced by C.
Protein change: p.Ala10691Pro; replaces alanine 10691 with proline.
Molecular consequence: missense variant. On other transcripts: intron variant (3).
Genome position (GRCh38, 1-based): chr2:178,689,077, C>G on the plus strand (G>C on the coding strand, the complement: TTN is on the minus strand). VCF-style: chr2-178689077-C-G. GRCh37 (hg19) VCF-style: chr2-179553804-C-G.
Other names: c.31120G>C, p.Ala10374Pro (NM_001256850.1); c.28339G>C, p.Ala9447Pro (NM_133378.4); c.13283-46760G>C (NM_003319.4); c.13859-46760G>C (NM_133437.4); c.13658-46760G>C (NM_133432.3); short protein forms A10374P, A10691P, A9447P.
Identifiers: ClinVar variation 4847528 (VCV004847528.1).

ClinVar aggregate classification (germline): Uncertain significance (1 of 4 stars; one submission).

Submission:

Women's Health and Genetics/Laboratory Corporation of America, LabCorp
Classification: Uncertain significance. Last evaluated: 2026-03-03. Review status: criteria provided, single submitter. Criteria: LabCorp Variant Classification Summary - May 2015. Collection method: clinical testing. Allele origin: germline.
Comment: Variant summary: TTN c.28339G>C (p.Ala9447Pro) results in a non-conservative amino acid change in the encoded protein sequence. Algorithms developed to predict the effect of missense changes on protein structure and function are either unavailable or do not agree on the potential impact of this missense change. The variant was absent in 248638 control chromosomes. The available data on variant occurrences in the general population are insufficient to allow any conclusion about variant significance. To our knowledge, no occurrence of c.28339G>C in individuals affected with TTN-related conditions and no experimental evidence demonstrating its impact on protein function have been reported. No submitters have cited clinical-significance assessments for this variant to ClinVar. Based on the evidence outlined above, the variant was classified as uncertain significance.